The following is an entry in ClinVar:

ClinVar aggregate classification (germline): Uncertain significance (1 of 4 stars; one submission).

Conditions:
Maple syrup urine disease (MSUD). Identifiers: Orphanet 511, MedGen C0024776, MeSH D008375, MONDO:0009563. Disease mechanism: loss of function.

Allele frequency attached by ClinVar (database versions not stated): 1000 Genomes Project 30x 0.00031; gnomAD exomes below 0.00001; gnomAD 0.00001.
gnomAD v4.1: 8 of 1,552,934 alleles (0.00052%); highest among the groups gnomAD compares: African/African-American, 0.0068%; no homozygotes.

Submission:

Labcorp Genetics (formerly Invitae), Labcorp
Classification: Uncertain significance for Maple syrup urine disease. Last evaluated: 2021-09-01. Review status: criteria provided, single submitter. Criteria: Invitae Variant Classification Sherloc (09022015). Collection method: clinical testing. Allele origin: germline.
Comment: This sequence change replaces glycine with alanine at codon 9 of the BCKDHB protein (p.Gly9Ala). The glycine residue is weakly conserved and there is a small physicochemical difference between glycine and alanine. The frequency data for this variant in the population databases is considered unreliable, as metrics indicate insufficient coverage at this position in the ExAC database. This variant has not been reported in the literature in individuals affected with BCKDHB-related conditions. Algorithms developed to predict the effect of missense changes on protein structure and function output the following: SIFT: "Tolerated"; PolyPhen-2: "Not Available"; Align-GVGD: "Class C0". The alanine amino acid residue is found in multiple mammalian species, which suggests that this missense change does not adversely affect protein function. In summary, the available evidence is currently insufficient to determine the role of this variant in disease. Therefore, it has been classified as a Variant of Uncertain Significance.

NM_183050.4(BCKDHB):c.26G>C (p.Gly9Ala)

Gene: BCKDHB (branched chain keto acid dehydrogenase E1 subunit beta; plus strand). Cytogenetic location: 6q14.1.
Variant type: single nucleotide variant.
Coding change: c.26G>C on transcript NM_183050.4 (MANE Select); coding-DNA position 26, G replaced by C.
Protein change: p.Gly9Ala; replaces glycine 9 with alanine.
Molecular consequence: missense variant. On other transcripts: non-coding transcript variant (1), intron variant (1).
Genome position (GRCh38, 1-based): chr6:80,106,719, G>C. VCF-style: chr6-80106719-G-C. GRCh37 (hg19) VCF-style: chr6-80816436-G-C.
Other names: c.26G>C, p.Gly9Ala (NM_000056.5); c.-15+36G>C (NM_001318975.1); short protein forms G9A.
Identifiers: ClinVar variation 962563 (VCV000962563.7), dbSNP rs780722473, ClinGen allele CA364657925.